The following is an entry in ClinVar:

ClinVar aggregate classification (germline): Uncertain significance. Review status: criteria provided, multiple submitters, no conflicts (2 of 4 stars). 2 submissions from 2 submitters: Uncertain significance (2). Last evaluated 2022-12-07.

Conditions:
Alpha thalassemia-X-linked intellectual disability syndrome (ATRX). Also called: ATR, NONDELETION TYPE; ATR-X syndrome; Alpha thalassemia mental retardation syndrome, nondeletion type, X-linked; XLMR hypotonic face syndrome; ALPHA-THALASSEMIA/MENTAL RETARDATION SYNDROME, X-LINKED; X-linked alpha-thalassemia-mental retardation syndrome. Identifiers: Orphanet 847, MedGen C1845055, MONDO:0010519, OMIM 301040.

gnomAD v4.1: 1 of 1,209,432 alleles (0.000083%); highest among the groups gnomAD compares: Non-Finnish European, 0.00011%; no homozygotes.

Submissions (2):

Labcorp Genetics (formerly Invitae), Labcorp
Classification: Uncertain significance for Alpha thalassemia-X-linked intellectual disability syndrome. Last evaluated: 2022-12-07. Review status: criteria provided, single submitter. Criteria: Invitae Variant Classification Sherloc (09022015). Collection method: clinical testing. Allele origin: germline.
Comment: In summary, the available evidence is currently insufficient to determine the role of this variant in disease. Therefore, it has been classified as a Variant of Uncertain Significance. Advanced modeling of protein sequence and biophysical properties (such as structural, functional, and spatial information, amino acid conservation, physicochemical variation, residue mobility, and thermodynamic stability) has been performed at Invitae for this missense variant, however the output from this modeling did not meet the statistical confidence thresholds required to predict the impact of this variant on ATRX protein function. This variant has not been reported in the literature in individuals affected with ATRX-related conditions. This variant is not present in population databases (gnomAD no frequency). This sequence change replaces lysine, which is basic and polar, with glutamine, which is neutral and polar, at codon 2245 of the ATRX protein (p.Lys2245Gln).

GeneDx
Classification: Uncertain significance. Last evaluated: 2022-05-27. Review status: criteria provided, single submitter. Criteria: GeneDx Variant Classification Process June 2021. Collection method: clinical testing. Allele origin: germline. Affected: yes.
Comment: Not observed at significant frequency in large population cohorts (gnomAD); In silico analysis supports that this missense variant does not alter protein structure/function; Has not been previously published as pathogenic or benign to our knowledge

NM_000489.6(ATRX):c.6733A>C (p.Lys2245Gln)

Gene: ATRX (ATRX chromatin remodeler; minus strand). Cytogenetic location: Xq21.1.
Variant type: single nucleotide variant.
Coding change: c.6733A>C on transcript NM_000489.6 (MANE Select); coding-DNA position 6733, A replaced by C.
Protein change: p.Lys2245Gln; replaces lysine 2245 with glutamine.
Molecular consequence: missense variant.
Genome position (GRCh38, 1-based): chrX:77,523,368, T>G on the plus strand (A>C on the coding strand, the complement: ATRX is on the minus strand). VCF-style: chrX-77523368-T-G. GRCh37 (hg19) VCF-style: chrX-76778846-T-G.
Other names: c.6619A>C, p.Lys2207Gln (NM_138270.5); short protein forms K2207Q, K2245Q.
Identifiers: ClinVar variation 1801049 (VCV001801049.4), dbSNP rs2520040871, ClinGen allele CA413710189.